The following is an entry in ClinVar:

ClinVar aggregate classification (germline): Pathogenic. Review status: reviewed by expert panel (3 of 4 stars). 6 submissions from 6 submitters: Pathogenic (1). 5 of the submissions do not count toward it. Last evaluated 2016-09-08.

Conditions:
Hereditary cancer-predisposing syndrome. Also called: Hereditary Cancer Syndrome; Hereditary neoplastic syndrome; Neoplastic Syndromes, Hereditary; Tumor predisposition. Identifiers: Orphanet 140162, MedGen C0027672, MeSH D009386, MONDO:0015356.
Hereditary breast ovarian cancer syndrome. Also called: BRCA1- and BRCA2-Associated Hereditary Breast and Ovarian Cancer; Hereditary breast and ovarian cancer syndrome; Hereditary breast and ovarian cancer syndrome (HBOC); Breast and ovarian cancer; Hereditary breast and/or ovarian cancer syndrome; Hereditary breast and ovarian cancer. Identifiers: Orphanet 145, MedGen C0677776, MeSH D061325, MONDO:0003582. Disease mechanism: loss of function.
Breast-ovarian cancer, familial, susceptibility to, 1 (BROVCA1). Also called: BRCA1 Hereditary Breast and Ovarian Cancer; OVARIAN CANCER, SUSCEPTIBILITY TO. Identifiers: Orphanet 145, MedGen C2676676, MONDO:0011450, OMIM 604370. Disease mechanism: loss of function.

Submissions (6):

Evidence-based Network for the Interpretation of Germline Mutant Alleles (ENIGMA)
Classification: Pathogenic for Breast-ovarian cancer, familial, susceptibility to, 1. Last evaluated: 2016-09-08. Review status: reviewed by expert panel. Criteria: ENIGMA BRCA1/2 Classification Criteria (2015). Collection method: curation. Allele origin: germline.
Comment: Variant allele predicted to encode a truncated non-functional protein.

Color Diagnostics, LLC DBA Color Health
Classification: Pathogenic for Hereditary cancer-predisposing syndrome. Last evaluated: 2024-11-13. Review status: criteria provided, single submitter. Criteria: ACMG Guidelines, 2015. Collection method: clinical testing. Allele origin: germline. Not counted in ClinVar's aggregate classification.
Comment: This variant changes 1 nucleotide in exon 10 of the BRCA1 gene, creating a premature translation stop signal. This variant is expected to result in an absent or non-functional protein product. To our knowledge, functional studies have not been performed for this variant. This variant has not been reported in individuals affected with hereditary cancer in the literature. This variant has not been identified in the general population by the Genome Aggregation Database (gnomAD). Loss of BRCA1 function is a known mechanism of disease. Based on the available evidence, this variant is classified as Pathogenic.

Ambry Genetics
Classification: Pathogenic for Hereditary cancer-predisposing syndrome. Last evaluated: 2024-09-28. Review status: criteria provided, single submitter. Criteria: Ambry Variant Classification Scheme 2023. Collection method: clinical testing. Allele origin: germline. Not counted in ClinVar's aggregate classification.
Comment: The p.K1207* pathogenic mutation (also known as c.3619A>T), located in coding exon 9 of the BRCA1 gene, results from an A to T substitution at nucleotide position 3619. This changes the amino acid from a lysine to a stop codon within coding exon 9. This variant is considered to be rare based on population cohorts in the Genome Aggregation Database (gnomAD). This alteration is expected to result in loss of function by premature protein truncation or nonsense-mediated mRNA decay. As such, this alteration is interpreted as a disease-causing mutation.

Revvity Omics, Revvity
Classification: Likely pathogenic. Last evaluated: 2022-11-29. Review status: criteria provided, single submitter. Criteria: ACMG Guidelines, 2015. Collection method: clinical testing. Allele origin: germline. Not counted in ClinVar's aggregate classification.

Labcorp Genetics (formerly Invitae), Labcorp
Classification: Pathogenic for Hereditary breast ovarian cancer syndrome. Last evaluated: 2018-10-17. Review status: criteria provided, single submitter. Criteria: Invitae Variant Classification Sherloc (09022015). Collection method: clinical testing. Allele origin: germline. Not counted in ClinVar's aggregate classification.
Comment: For these reasons, this variant has been classified as Pathogenic. Loss-of-function variants in BRCA1 are known to be pathogenic (PMID: 20104584). This variant has been reported in individuals in the Breast Cancer Information Core database (PMID: 10923033). ClinVar contains an entry for this variant (Variation ID: 54938). This variant is not present in population databases (ExAC no frequency). This sequence change creates a premature translational stop signal (p.Lys1207*) in the BRCA1 gene. It is expected to result in an absent or disrupted protein product.

Breast Cancer Information Core (BIC) (BRCA1)
Classification: Pathogenic for Breast-ovarian cancer, familial 1. Last evaluated: 2004-02-20. Review status: no assertion criteria provided. Collection method: clinical testing. Allele origin: germline. Affected: yes. Observed: 1 variant allele. Not counted in ClinVar's aggregate classification.

Literature cited by the submitters: PubMed 20104584 (cited by Labcorp Genetics (formerly Invitae), Labcorp); PubMed 10923033 (cited by Labcorp Genetics (formerly Invitae), Labcorp).

NM_007294.4(BRCA1):c.3619A>T (p.Lys1207Ter)

Genes: BRCA1 (BRCA1 DNA repair associated; minus strand), LOC126862571 (BRD4-independent group 4 enhancer GRCh37_chr17:41243136-41244335; plus strand). Cytogenetic location: 17q21.31.
Variant type: single nucleotide variant.
Coding change: c.3619A>T on transcript NM_007294.4 (MANE Select); coding-DNA position 3619, A replaced by T.
Protein change: p.Lys1207Ter; replaces lysine 1207 with a stop codon.
Molecular consequence: nonsense. On other transcripts: intron variant (135).
Genome position (GRCh38, 1-based): chr17:43,091,912, T>A on the plus strand (A>T on the coding strand, the complement: BRCA1 is on the minus strand). VCF-style: chr17-43091912-T-A. GRCh37 (hg19) VCF-style: chr17-41243929-T-A.
Other names: c.3541A>T, p.Lys1181Ter (NM_001407654.1, NM_001407655.1, NM_001407656.1 and 4 more transcripts); c.3538A>T, p.Lys1180Ter (NM_001407659.1, NM_001407660.1, NM_001407661.1 and 1 more transcripts); c.3496A>T, p.Lys1166Ter (NM_001407664.1, NM_001407665.1, NM_001407666.1 and 19 more transcripts); c.3493A>T, p.Lys1165Ter (NM_001407670.1, NM_001407671.1, NM_001407672.1 and 11 more transcripts); c.3619A>T, p.Lys1207Ter (NM_001407684.1, NM_001407854.1, NM_001407858.1 and 30 more transcripts); c.3478A>T, p.Lys1160Ter (NM_001407692.1, NM_001407694.1, NM_001407695.1 and 29 more transcripts); c.3475A>T, p.Lys1159Ter (NM_001407740.1, NM_001407741.1, NM_001407742.1 and 20 more transcripts); c.3406A>T, p.Lys1136Ter (NM_001407853.1, NM_001407894.1, NM_001407895.1 and 9 more transcripts); and 41 more; short protein forms K1207*, K1160*, K1118*, K1140*, K1206*, K1095*, K1119*, K1139*.
Identifiers: ClinVar variation 54938 (VCV000054938.22), dbSNP rs80357455, ClinGen allele CA002314.